The following is an entry in ClinVar:

NM_004304.5(ALK):c.1034G>C (p.Cys345Ser)

Gene: ALK (ALK receptor tyrosine kinase; minus strand). Cytogenetic location: 2p23.2.
Variant type: single nucleotide variant.
Coding change: c.1034G>C on transcript NM_004304.5 (MANE Select); coding-DNA position 1034, G replaced by C.
Protein change: p.Cys345Ser; replaces cysteine 345 with serine.
Molecular consequence: missense variant.
Genome position (GRCh38, 1-based): chr2:29,532,035, C>G on the plus strand (G>C on the coding strand, the complement: ALK is on the minus strand). VCF-style: chr2-29532035-C-G. GRCh37 (hg19) VCF-style: chr2-29754901-C-G.
Other names: c.1034G>C (NM_004304.4); short protein forms C345S.
Identifiers: ClinVar variation 4729062 (VCV004729062.2).

ClinVar aggregate classification (germline): Uncertain significance. Review status: criteria provided, multiple submitters, no conflicts (2 of 4 stars). 2 submissions from 2 submitters: Uncertain significance (2). Last evaluated 2026-03-02.

Conditions:
Neuroblastoma, susceptibility to, 3. Also called: ALK-Related Neuroblastic Tumor Susceptibility. Identifiers: Orphanet 635, MedGen C2751681, MONDO:0013083, OMIM 613014.
Hereditary cancer-predisposing syndrome. Also called: Neoplastic Syndromes, Hereditary; Tumor predisposition; Hereditary Cancer Syndrome; Hereditary neoplastic syndrome. Identifiers: Orphanet 140162, MedGen C0027672, MeSH D009386, MONDO:0015356.

Submissions (2):

Ambry Genetics
Classification: Uncertain significance for Hereditary cancer-predisposing syndrome. Last evaluated: 2026-03-02. Review status: criteria provided, single submitter. Criteria: Ambry Variant Classification Scheme 2023. Collection method: clinical testing. Allele origin: germline.
Comment: The p.C345S variant (also known as c.1034G>C), located in coding exon 4 of the ALK gene, results from a G to C substitution at nucleotide position 1034. The cysteine at codon 345 is replaced by serine, an amino acid with dissimilar properties. This amino acid position is highly conserved in available vertebrate species. In addition, the in silico prediction for this alteration is inconclusive. Based on the available evidence, the clinical significance of this variant remains unclear.

Labcorp Genetics (formerly Invitae), Labcorp
Classification: Uncertain significance for Neuroblastoma, susceptibility to, 3. Last evaluated: 2025-11-23. Review status: criteria provided, single submitter. Criteria: Invitae Variant Classification Sherloc (09022015). Collection method: clinical testing. Allele origin: germline.
Comment: This sequence change replaces cysteine, which is neutral and slightly polar, with serine, which is neutral and polar, at codon 345 of the ALK protein (p.Cys345Ser). This variant is not present in population databases (gnomAD no frequency). This variant has not been reported in the literature in individuals affected with ALK-related conditions. An algorithm developed to predict the effect of missense changes on protein structure and function (PolyPhen-2) suggests that this variant is likely to be disruptive. In summary, the available evidence is currently insufficient to determine the role of this variant in disease. Therefore, it has been classified as a Variant of Uncertain Significance.